The following is an entry in ClinVar:

ClinVar aggregate classification (germline): Likely benign (1 of 4 stars; one submission).

Conditions:
Growth delay due to insulin-like growth factor I resistance. Also called: Somatomedin end-organ insensitivity to; Somatomedin-c resistance to; IGF-1 resistance; IGF-I RESISTANCE; Insulin-Like Growth Factor I Resistance. Identifiers: Orphanet 73273, MedGen C1849157, MONDO:0010038, OMIM 270450.

Allele frequency attached by ClinVar (database versions not stated): gnomAD exomes 0.00228; 1000 Genomes Project 0.01218; gnomAD 0.01258 and 0.01358; 1000 Genomes Project 30x 0.01359; TOPMed 0.01387.
gnomAD v4.1: 2,089 of 234,212 alleles (0.89%); highest among the groups gnomAD compares: African/African-American, 4.3%; 52 homozygotes.

Submission:

Illumina Laboratory Services, Illumina
Classification: Likely benign for Growth delay due to insulin-like growth factor I resistance. Last evaluated: 2017-04-27. Review status: criteria provided, single submitter. Criteria: ICSL Variant Classification Criteria 13 December 2019. Collection method: clinical testing. Allele origin: germline.
Comment: This variant was observed as part of a predisposition screen in an ostensibly healthy population. A literature search was performed for the gene, cDNA change, and amino acid change (where applicable). No publications were found based on this search. Allele frequency data from public databases allowed determination this variant is unlikely to cause disease. Therefore, this variant is classified as likely benign.

NM_000875.5(IGF1R):c.*626T>C

Gene: IGF1R (insulin like growth factor 1 receptor; plus strand). Cytogenetic location: 15q26.3.
Variant type: single nucleotide variant.
Coding change: c.*626T>C on transcript NM_000875.5 (MANE Select); 626 bases downstream of the stop codon, T replaced by C.
Molecular consequence: 3 prime UTR variant.
Genome position (GRCh38, 1-based): chr15:98,958,068, T>C. VCF-style: chr15-98958068-T-C. GRCh37 (hg19) VCF-style: chr15-99501297-T-C.
Other names: c.*626T>C (NM_001291858.2).
Identifiers: ClinVar variation 317483 (VCV000317483.5), dbSNP rs34804698, ClinGen allele CA10647552.
Genomic context (GRCh38, chr15:98,958,068, plus strand): 5'-CATTTTAACGCTGCCTAATTTTGCCAAAATCCTGAACTTTCTCCCTCATCGGCCCGGCGC[T>C]GATTCCTCGTGTCCGGAGGCATGGGTGAGCATGGCAGCTGGTTGCTCCATTTGAGAGACA-3'